The following is an entry in ClinVar:

NC_000007.14:g.156795971G>A

Genes: LMBR1 (limb development membrane protein 1; minus strand), SHH (sonic hedgehog signaling molecule; minus strand). Cytogenetic location: 7q36.3.
Variant type: single nucleotide variant.
Molecular consequence: intron variant (on NM_022458.4).
Genome position: GRCh38 VCF-style: chr7-156795971-G-A. GRCh37 (hg19) VCF-style: chr7-156588665-G-A.
Other names: c.360+418C>T (NM_001363412.2); c.144+418C>T (NM_001350954.2); c.423+418C>T (NM_001363410.2, NM_022458.4, NM_001363409.2 and 1 more transcripts); c.-112+418C>T (NM_001350958.2, NM_001350956.2, NM_001350955.2 and 1 more transcripts); c.54+418C>T (NM_001350957.2, NM_001363411.2).
Identifiers: ClinVar variation 2701574 (VCV002701574.3), dbSNP rs1830004912, ClinGen allele CA2697549724.

ClinVar aggregate classification (germline): Uncertain significance (1 of 4 stars; one submission).

Conditions:
Holoprosencephaly 3 (HPE3). Identifiers: Orphanet 2162, MedGen C1840529, MONDO:0007733, OMIM 142945.

Submission:

Labcorp Genetics (formerly Invitae), Labcorp
Classification: Uncertain significance for Holoprosencephaly 3. Last evaluated: 2024-10-08. Review status: criteria provided, single submitter. Criteria: Invitae Variant Classification Sherloc (09022015). Collection method: clinical testing. Allele origin: germline.
Comment: This variant occurs in a non-coding region of the SHH gene. It does not change the encoded amino acid sequence of the SHH protein. This variant is not present in population databases (gnomAD no frequency). This variant has not been reported in the literature in individuals affected with SHH-related conditions. Experimental studies and prediction algorithms are not available or were not evaluated, and the functional significance of this variant is currently unknown. In summary, the available evidence is currently insufficient to determine the role of this variant in disease. Therefore, it has been classified as a Variant of Uncertain Significance.